The following is an entry in ClinVar:

ClinVar aggregate classification (germline): Uncertain significance (1 of 4 stars; one submission).

Submission:

GeneDx
Classification: Uncertain significance. Last evaluated: 2024-11-04. Review status: criteria provided, single submitter. Criteria: GeneDx Variant Classification Process June 2021. Collection method: clinical testing. Allele origin: germline. Affected: yes.
Comment: Not observed at significant frequency in large population cohorts (gnomAD); Frameshift variant predicted to result in protein truncation or nonsense mediated decay in a gene for which loss-of-function is not a known mechanism of disease; Has not been previously published as pathogenic or benign to our knowledge

NM_004519.4(KCNQ3):c.1492del (p.Glu498fs)

Gene: KCNQ3 (potassium voltage-gated channel subfamily Q member 3; minus strand). Cytogenetic location: 8q24.22.
Variant type: Deletion.
Coding change: c.1492del on transcript NM_004519.4 (MANE Select); coding-DNA position 1492, one base deleted (G; older notation c.1492delG).
Protein change: p.Glu498fs; shifts the reading frame from glutamic acid 498.
Molecular consequence: frameshift variant.
Genome position (GRCh38, 1-based): chr8:132,140,152, C deleted on the plus strand (G on the coding strand, the reverse complement: KCNQ3 is on the minus strand); the first of 2 consecutive C bases (chr8:132,140,152-132,140,153); deleting either gives the same sequence. VCF-style (leftmost placement, unchanged base first): chr8-132140151-TC-T. GRCh37 (hg19) VCF-style: chr8-133152398-TC-T.
Other names: c.1132del, p.Glu378fs (NM_001204824.2); short protein forms E378fs, E498fs.
Identifiers: ClinVar variation 3897334 (VCV003897334.1).